The following is an entry in ClinVar:

NM_001692.4(ATP6V1B1):c.-19C>T

Gene: ATP6V1B1 (ATPase H+ transporting V1 subunit B1; plus strand). Cytogenetic location: 2p13.3.
Variant type: single nucleotide variant.
Coding change: c.-19C>T on transcript NM_001692.4 (MANE Select); 19 bases upstream of the start codon, C replaced by T.
Molecular consequence: 5 prime UTR variant.
Genome position (GRCh38, 1-based): chr2:70,935,936, C>T. VCF-style: chr2-70935936-C-T. GRCh37 (hg19) VCF-style: chr2-71163066-C-T.
Identifiers: ClinVar variation 684162 (VCV000684162.5), dbSNP rs115563001, ClinGen allele CA1700803.

ClinVar aggregate classification (germline): Conflicting classifications of pathogenicity. Review status: criteria provided, conflicting classifications (1 of 4 stars). 2 submissions from 2 submitters: Uncertain significance (1); Likely benign (1). Last evaluated 2018-06-01.

Conditions:
Renal tubular acidosis with progressive nerve deafness. Also called: Distal Renal Tubular Acidosis with Progressive Sensorineural Deafness; RENAL TUBULAR ACIDOSIS, AUTOSOMAL RECESSIVE, WITH PROGRESSIVE NERVE DEAFNESS; RTA WITH PROGRESSIVE NERVE DEAFNESS; renal tubular acidosis, distal, 2, with progressive sensorineural hearing loss. Identifiers: MedGen C0403554, MONDO:0009968, OMIM 267300.

Allele frequency attached by ClinVar (database versions not stated): gnomAD 0.00542 and 0.00564; ESP Exome Variant Server 0.00646; TOPMed 0.00652; 1000 Genomes Project 0.00779; 1000 Genomes Project 30x 0.00921.

Submissions (2):

GeneDx
Classification: Likely benign. Last evaluated: 2018-06-01. Review status: criteria provided, single submitter. Criteria: GeneDx Variant Classification (06012015). Collection method: clinical testing. Allele origin: germline. Affected: yes.
Comment: This variant is considered likely benign or benign based on one or more of the following criteria: it is a conservative change, it occurs at a poorly conserved position in the protein, it is predicted to be benign by multiple in silico algorithms, and/or has population frequency not consistent with disease.

Illumina Laboratory Services, Illumina
Classification: Uncertain significance for Renal tubular acidosis with progressive nerve deafness. Last evaluated: 2017-04-27. Review status: criteria provided, single submitter. Criteria: ICSL Variant Classification Criteria 13 December 2019. Collection method: clinical testing. Allele origin: germline.